The following is an entry in ClinVar:

NM_002840.5(PTPRF):c.2565G>A (p.Leu855=)

Gene: PTPRF (protein tyrosine phosphatase receptor type F; plus strand). Cytogenetic location: 1p34.2.
Variant type: single nucleotide variant.
Coding change: c.2565G>A on transcript NM_002840.5 (MANE Select); coding-DNA position 2565, G replaced by A.
Protein change: p.Leu855=; no amino-acid change (leucine 855 retained).
Molecular consequence: synonymous variant. On other transcripts: intron variant (4).
Genome position (GRCh38, 1-based): chr1:43,603,717, G>A. VCF-style: chr1-43603717-G-A. GRCh37 (hg19) VCF-style: chr1-44069388-G-A.
Other names: c.2538G>A, p.Leu846= (NM_130440.4); c.2182+184G>A (NM_001329138.2); c.2170+184G>A (NM_001329137.2); c.2152+184G>A (NM_001329139.2); c.2125+184G>A (NM_001329140.2).
Identifiers: ClinVar variation 3056750 (VCV003056750.3), dbSNP rs76320098, ClinGen allele CA812525.

ClinVar aggregate classification (germline): Likely benign. Review status: criteria provided, single submitter (1 of 4 stars). 2 submissions from 2 submitters: Likely benign (1). 1 of the submissions does not count toward it. Last evaluated 2024-10-18.

Conditions:
PTPRF-related disorder. Also called: PTPRF-related condition.

Allele frequency attached by ClinVar (database versions not stated): gnomAD exomes 0.00047; ExAC 0.00161; gnomAD 0.00488; ESP Exome Variant Server 0.00523; TOPMed 0.00564; 1000 Genomes Project 0.00659; 1000 Genomes Project 30x 0.00812.
gnomAD v4.1: 1,463 of 1,613,730 alleles (0.091%); highest among the groups gnomAD compares: African/African-American, 1.6%; 8 homozygotes.

Submissions (2):

Blueprint Genetics
Classification: Likely benign. Last evaluated: 2024-10-18. Review status: criteria provided, single submitter. Criteria: ACMG Guidelines, 2015. Collection method: clinical testing. Allele origin: germline.

PreventionGenetics, part of Exact Sciences
Classification: Benign for PTPRF-related condition. Last evaluated: 2019-04-24. Review status: no assertion criteria provided. Collection method: clinical testing. Allele origin: germline. Not counted in ClinVar's aggregate classification.
Comment: This variant is classified as benign based on ACMG/AMP sequence variant interpretation guidelines (Richards et al. 2015 PMID: 25741868, with internal and published modifications).